The following is an entry in ClinVar:

NM_000303.3(PMM2):c.*1259C>G

Gene: PMM2 (phosphomannomutase 2; plus strand). Cytogenetic location: 16p13.2.
Variant type: single nucleotide variant.
Coding change: c.*1259C>G on transcript NM_000303.3 (MANE Select); 1259 bases downstream of the stop codon, C replaced by G.
Molecular consequence: 3 prime UTR variant.
Genome position (GRCh38, 1-based): chr16:8,849,084, C>G. VCF-style: chr16-8849084-C-G. GRCh37 (hg19) VCF-style: chr16-8942941-C-G.
Identifiers: ClinVar variation 321266 (VCV000321266.6), dbSNP rs78698557, ClinGen allele CA10638655.

ClinVar aggregate classification (germline): Benign. Review status: criteria provided, multiple submitters, no conflicts (2 of 4 stars). 2 submissions from 2 submitters: Benign (2). Last evaluated 2018-01-13.

Conditions:
PMM2-congenital disorder of glycosylation. Also called: CDG Ia; JAEKEN SYNDROME; PHOSPHOMANNOMUTASE 2 DEFICIENCY; Congenital disorder of glycosylation, type Ia; CARBOHYDRATE-DEFICIENT GLYCOPROTEIN SYNDROME, TYPE Ia; PMM2-CDG. Identifiers: Orphanet 79318, MedGen C0349653, MONDO:0008907, OMIM 212065.

Allele frequency attached by ClinVar (database versions not stated): 1000 Genomes Project 30x 0.02264; 1000 Genomes Project 0.02336; TOPMed 0.04333; gnomAD 0.04381 and 0.04619; gnomAD exomes 0.05172.
gnomAD v4.1: 6,890 of 152,336 alleles (4.5%); highest among the groups gnomAD compares: Middle Eastern, 13%; 234 homozygotes.

Submissions (2):

Illumina Laboratory Services, Illumina
Classification: Benign for PMM2-congenital disorder of glycosylation. Last evaluated: 2018-01-13. Review status: criteria provided, single submitter. Criteria: ICSL Variant Classification Criteria 13 December 2019. Collection method: clinical testing. Allele origin: germline.
Comment: This variant was observed in the ICSL laboratory as part of a predisposition screen in an ostensibly healthy population. It had not been previously curated by ICSL or reported in the Human Gene Mutation Database (HGMD: prior to June 1st, 2018), and was therefore a candidate for classification through an automated scoring system. Utilizing variant allele frequency, disease prevalence and penetrance estimates, and inheritance mode, an automated score was calculated to assess if this variant is too frequent to cause the disease. Based on the score and internal cut-off values, a variant classified as benign is not then subjected to further curation. The score for this variant resulted in a classification of benign for this disease.

Breakthrough Genomics
Classification: Benign. Review status: criteria provided, single submitter. Criteria: ACMG Guidelines, 2015. Collection method: not provided. Allele origin: germline. Inheritance: Autosomal recessive inheritance. Affected: yes.